The following is an entry in ClinVar:

ClinVar aggregate classification (germline): Uncertain significance. Review status: criteria provided, single submitter (1 of 4 stars). 2 submissions from 2 submitters: Uncertain significance (1). 1 of the submissions does not count toward it. Last evaluated 2022-08-16.

Conditions:
Glycogen storage disease type III (GSD3). Also called: Cori disease; FORBES DISEASE. Identifiers: Orphanet 366, MedGen C0017922, MONDO:0009291, OMIM 232400.

Allele frequency attached by ClinVar (database versions not stated): ExAC 0.00001; gnomAD 0.00001; gnomAD exomes 0.00001 and 0.00007; TOPMed 0.00001.
gnomAD v4.1: 101 of 1,612,640 alleles (0.0063%); highest among the groups gnomAD compares: Non-Finnish European, 0.0084%; no homozygotes.

Submissions (2):

Labcorp Genetics (formerly Invitae), Labcorp
Classification: Uncertain significance for Glycogen storage disease type III. Last evaluated: 2022-08-16. Review status: criteria provided, single submitter. Criteria: Invitae Variant Classification Sherloc (09022015). Collection method: clinical testing. Allele origin: germline.
Comment: This sequence change replaces glutamic acid, which is acidic and polar, with lysine, which is basic and polar, at codon 783 of the AGL protein (p.Glu783Lys). This variant is present in population databases (rs769386639, gnomAD 0.002%). This variant has not been reported in the literature in individuals affected with AGL-related conditions. ClinVar contains an entry for this variant (Variation ID: 859826). Algorithms developed to predict the effect of missense changes on protein structure and function (SIFT, PolyPhen-2, Align-GVGD) all suggest that this variant is likely to be tolerated. In summary, the available evidence is currently insufficient to determine the role of this variant in disease. Therefore, it has been classified as a Variant of Uncertain Significance.

Natera, Inc.
Classification: Uncertain significance for Glycogen storage disease type III. Last evaluated: 2020-09-16. Review status: no assertion criteria provided. Collection method: clinical testing. Allele origin: germline. Not counted in ClinVar's aggregate classification.

NM_000642.3(AGL):c.2347G>A (p.Glu783Lys)

Gene: AGL (amylo-alpha-1,6-glucosidase and 4-alpha-glucanotransferase; plus strand). Cytogenetic location: 1p21.2.
Variant type: single nucleotide variant.
Coding change: c.2347G>A on transcript NM_000642.3 (MANE Select); coding-DNA position 2347, G replaced by A.
Protein change: p.Glu783Lys; replaces glutamic acid 783 with lysine.
Molecular consequence: missense variant.
Genome position (GRCh38, 1-based): chr1:99,884,158, G>A. VCF-style: chr1-99884158-G-A. GRCh37 (hg19) VCF-style: chr1-100349714-G-A.
Other names: c.2347G>A, p.Glu783Lys (NM_000028.3, NM_000643.3, NM_000644.3 and 2 more transcripts); c.2299G>A, p.Glu767Lys (NM_000646.3); c.2146G>A, p.Glu716Lys (NM_001425327.1); c.2143G>A, p.Glu715Lys (NM_001425328.1, NM_001425329.1); c.1969G>A, p.Glu657Lys (NM_001425332.1); short protein forms E767K, E783K, E657K, E715K, E716K.
Identifiers: ClinVar variation 859826 (VCV000859826.7), dbSNP rs769386639, ClinGen allele CA966771.
Genomic context (GRCh38, chr1:99,884,158, plus strand): 5'-AAATGTTTTTATGTATTCCTAGGCAAAATTGAAGAAGTAGTTCTTGAAGCTAGAACTATT[G>A]AGAGAAACACGAAACCTTATAGGAAGGATGAGAATTCAATCAATGGAACACCAGATATCA-3'
Protein context (NP_000633.2, residues 773-793): EEVVLEARTI[Glu783Lys]RNTKPYRKDE